The following is an entry in ClinVar:

ClinVar aggregate classification (germline): Pathogenic (1 of 4 stars; one submission).

Submission:

Quest Diagnostics Nichols Institute San Juan Capistrano
Classification: Pathogenic. Last evaluated: 2022-04-20. Review status: criteria provided, single submitter. Criteria: ACMG/ClinGen CNV Guidelines, 2019. Collection method: clinical testing. Allele origin: unknown.
Comment: The copy number loss of 22q13.1q13.2 involves multiple protein-coding genes, including TNRC6B (OMIM 610740) and multiple exons (NM_001429.4) of the 5' portion of EP300 (OMIM 602700). It is likely that expression of EP300 has been disrupted by this partial loss. Haploinsufficiency of EP300 is associated with autosomal dominant Rubinstein-Taybi syndrome-2 (RSTS2; OMIM 613684), which is characterized by intellectual disability (ID), postnatal growth deficiency, microcephaly, broad thumbs and halluces, and dysmorphic facial features. Additionally, haploinsufficiency of TNRC6B is associated with autosomal dominant global developmental delay with speech and behavioral abnormalities (GDSBA; OMIM 619243), which is characterized by developmental delay (DD) with affected individuals having mildly delayed fine and motor skills, mild ID, speech and language delay, and variable behavioral abnormalities, mostly autism and ADHD. Furthermore, there are multiple genes in this copy number loss that are associated with autosomal recessive disorders: ADSL (OMIM 608222), MRTFA (OMIM 606078), and XPNPEP3 (OMIM 613553). As copy number losses of this interval have been associated with a clinical phenotype, and there are no similar copy number losses of this region in the general populations of the Database of Genomic Variants, based on current medical literature and gene content, this copy number variant (CNV) is interpreted as pathogenic.

GRCh37/hg19 22q13.1-13.2(chr22:40131240-41556564)x1

Genes: ADSL (adenylosuccinate lyase; plus strand), DNAJB7 (DnaJ heat shock protein family (Hsp40) member B7; minus strand), ENTHD1 (ENTH domain containing 1; minus strand), EP300 (E1A binding protein p300; plus strand), FAM83F (family with sequence similarity 83 member F; plus strand) and 9 more. Cytogenetic location: 22q13.1-13.2.
Variant type: copy number loss.
Change: copy number 1 (one copy instead of two) of chr22:40,131,240-41,556,564 (1.43 Mb, GRCh37 coordinates, 1-based), cytogenetic band 22q13.1-13.2.
Identifiers: ClinVar variation 1808635 (VCV001808635.1).